The following is an entry in ClinVar:

ClinVar aggregate classification (germline): Pathogenic (1 of 4 stars; one submission).

gnomAD v4.1: 2 of 1,613,776 alleles (0.00012%); highest among the groups gnomAD compares: Admixed American, 0.0033%; no homozygotes.

Submission:

Labcorp Genetics (formerly Invitae), Labcorp
Classification: Pathogenic. Last evaluated: 2025-09-14. Review status: criteria provided, single submitter. Criteria: Invitae Variant Classification Sherloc (09022015). Collection method: clinical testing. Allele origin: germline.
Comment: This sequence change creates a premature translational stop signal (p.Tyr497*) in the ALPK3 gene. It is expected to result in an absent or disrupted protein product. Loss-of-function variants in ALPK3 are known to be pathogenic (PMID: 21441111, 26846950, 27106955, 34263907). This variant is present in population databases (no rsID available, gnomAD 0.003%). This variant has not been reported in the literature in individuals affected with ALPK3-related conditions. ClinVar contains an entry for this variant (Variation ID: 3683091). For these reasons, this variant has been classified as Pathogenic.

Literature cited by the submitters: PubMed 21441111; PubMed 26846950; PubMed 27106955; PubMed 34263907.

NM_020778.5(ALPK3):c.885C>A (p.Tyr295Ter)

Gene: ALPK3 (alpha kinase 3; plus strand). Cytogenetic location: 15q25.3.
Variant type: single nucleotide variant.
Coding change: c.885C>A on transcript NM_020778.5 (MANE Select); coding-DNA position 885, C replaced by A.
Protein change: p.Tyr295Ter; replaces tyrosine 295 with a stop codon.
Molecular consequence: nonsense.
Genome position (GRCh38, 1-based): chr15:84,840,164, C>A. VCF-style: chr15-84840164-C-A. GRCh37 (hg19) VCF-style: chr15-85383395-C-A.
Other names: short protein forms Y295*.
Identifiers: ClinVar variation 3683091 (VCV003683091.2).